The following is an entry in ClinVar:

ClinVar aggregate classification (germline): Uncertain significance (1 of 4 stars; one submission).

Conditions:
Polydactyly, postaxial, type A8. Identifiers: MedGen C4748277, MONDO:0029130, OMIM 618123.

Submission:

Baylor Genetics
Classification: Uncertain significance for Polydactyly, postaxial, type A8. Last evaluated: 2018-10-15. Review status: criteria provided, single submitter. Criteria: ACMG Guidelines, 2015. Collection method: clinical testing. Allele origin: maternal. Affected: yes.
Comment: This variant was determined to be of uncertain significance according to ACMG Guidelines, 2015 [PMID:25741868].

NM_005269.3(GLI1):c.3065del (p.Gly1022fs)

Gene: GLI1 (GLI family zinc finger 1; plus strand). Cytogenetic location: 12q13.3.
Variant type: Deletion.
Coding change: c.3065del on transcript NM_005269.3 (MANE Select); coding-DNA position 3065, one base deleted (G; older notation c.3065delG).
Protein change: p.Gly1022fs; shifts the reading frame from glycine 1022.
Molecular consequence: frameshift variant.
Genome position (GRCh38, 1-based): chr12:57,471,805, G deleted; the last of 5 consecutive G bases (chr12:57,471,801-57,471,805); deleting any one gives the same sequence. VCF-style (leftmost placement, unchanged base first): chr12-57471800-AG-A. GRCh37 (hg19) VCF-style: chr12-57865583-AG-A.
Other names: c.2681del, p.Gly894fs (NM_001160045.2); c.2942del, p.Gly981fs (NM_001167609.2); short protein forms G981fs, G894fs, G1022fs.
Identifiers: ClinVar variation 1032306 (VCV001032306.1), dbSNP rs1871977265, ClinGen allele CA2038889593.
Genomic context (GRCh38, chr12:57,471,800, plus strand): 5'-GCCTCTCAAAGTGGGAGGCACAAACCCCAGCTGTGGTCATCCTGAGGTGGGCAGGCTAGG[AG>A]GGGGTCCTGCCTTGTACCCTCCTCCCGAAGGACAGGTATGTAACCCCCTGGACTCTCTTG-3'